The following is an entry in ClinVar:

NM_014913.4(ADNP2):c.2796C>T (p.Ala932=)

Gene: ADNP2 (ADNP homeobox 2; plus strand). Cytogenetic location: 18q23.
Variant type: single nucleotide variant.
Coding change: c.2796C>T on transcript NM_014913.4 (MANE Select); coding-DNA position 2796, C replaced by T.
Protein change: p.Ala932=; no amino-acid change (alanine 932 retained).
Molecular consequence: synonymous variant.
Genome position (GRCh38, 1-based): chr18:80,138,209, C>T. VCF-style: chr18-80138209-C-T. GRCh37 (hg19) VCF-style: chr18-77896092-C-T.
Identifiers: ClinVar variation 2648839 (VCV002648839.24), dbSNP rs374200956, ClinGen allele CA9012698.

ClinVar aggregate classification (germline): Likely benign (1 of 4 stars; one submission).

Allele frequency attached by ClinVar (database versions not stated): gnomAD 0.00002; gnomAD exomes 0.00004; TOPMed 0.00005; ExAC 0.00006; ESP Exome Variant Server 0.00008.
gnomAD v4.1: 66 of 1,614,026 alleles (0.0041%); highest among the groups gnomAD compares: South Asian, 0.0088%; no homozygotes.

Submission:

CeGaT Center for Human Genetics Tuebingen
Classification: Likely benign. Last evaluated: 2023-01-01. Review status: criteria provided, single submitter. Criteria: CeGaT Center For Human Genetics Tuebingen Variant Classification Criteria Version 2. Collection method: clinical testing. Allele origin: germline. Affected: yes. Observed: 1 variant allele.
Comment: ADNP2: BP4, BP7